The following is an entry in ClinVar:

ClinVar aggregate classification (germline): Likely benign (0 of 4 stars; one submission).

Conditions:
SOHLH2-related disorder. Also called: SOHLH2-related condition.

Allele frequency attached by ClinVar (database versions not stated): gnomAD exomes 0.00010; ExAC 0.00025; gnomAD 0.00088; ESP Exome Variant Server 0.00092; TOPMed 0.00092; 1000 Genomes Project 0.00100; 1000 Genomes Project 30x 0.00109.
gnomAD v4.1: 293 of 1,614,096 alleles (0.018%); highest among the groups gnomAD compares: African/African-American, 0.33%; no homozygotes.

Submission:

PreventionGenetics, part of Exact Sciences
Classification: Likely benign for SOHLH2-related condition. Last evaluated: 2019-03-12. Review status: no assertion criteria provided. Collection method: clinical testing. Allele origin: germline.
Comment: This variant is classified as likely benign based on ACMG/AMP sequence variant interpretation guidelines (Richards et al. 2015 PMID: 25741868, with internal and published modifications).

NM_017826.3(SOHLH2):c.906C>T (p.Tyr302=)

Genes: CCDC169-SOHLH2 (CCDC169-SOHLH2 readthrough; minus strand), SOHLH2 (spermatogenesis and oogenesis specific basic helix-loop-helix 2; minus strand). Cytogenetic location: 13q13.3.
Variant type: single nucleotide variant.
Coding change: c.906C>T on transcript NM_017826.3 (MANE Select); coding-DNA position 906, C replaced by T.
Protein change: p.Tyr302=; no amino-acid change (tyrosine 302 retained).
Molecular consequence: synonymous variant.
Genome position (GRCh38, 1-based): chr13:36,173,786, G>A on the plus strand (C>T on the coding strand, the complement: SOHLH2 is on the minus strand). VCF-style: chr13-36173786-G-A. GRCh37 (hg19) VCF-style: chr13-36747923-G-A.
Other names: c.1137C>T, p.Tyr379= (NM_001198910.2).
Identifiers: ClinVar variation 3035150 (VCV003035150.2), dbSNP rs150073675, ClinGen allele CA6948813.